The following is an entry in ClinVar:

ClinVar aggregate classification (germline): Uncertain significance (1 of 4 stars; one submission).

Conditions:
Cardiovascular phenotype. Identifiers: MedGen CN230736.

gnomAD v4.1: 6 of 1,614,154 alleles (0.00037%); highest among the groups gnomAD compares: Non-Finnish European, 0.00051%; no homozygotes.

Submission:

Ambry Genetics
Classification: Uncertain significance for Cardiovascular phenotype. Last evaluated: 2026-08-08. Review status: criteria provided, single submitter. Criteria: Ambry Variant Classification Scheme 2023. Collection method: clinical testing. Allele origin: germline.
Comment: The p.I352V variant (also known as c.1054A>G), located in coding exon 1 of the DOLK gene, results from an A to G substitution at nucleotide position 1054. The isoleucine at codon 352 is replaced by valine, an amino acid with highly similar properties. This amino acid position is conserved. In addition, this alteration is predicted to be tolerated by in silico analysis. Based on the available evidence, the clinical significance of this variant remains unclear.

NM_014908.4(DOLK):c.1054A>G (p.Ile352Val)

Gene: DOLK (dolichol kinase; minus strand). Cytogenetic location: 9q34.11.
Variant type: single nucleotide variant.
Coding change: c.1054A>G on transcript NM_014908.4 (MANE Select); coding-DNA position 1054, A replaced by G.
Protein change: p.Ile352Val; replaces isoleucine 352 with valine.
Molecular consequence: missense variant.
Genome position (GRCh38, 1-based): chr9:128,946,250, T>C on the plus strand (A>G on the coding strand, the complement: DOLK is on the minus strand). VCF-style: chr9-128946250-T-C. GRCh37 (hg19) VCF-style: chr9-131708529-T-C.
Other names: short protein forms I352V.
Identifiers: ClinVar variation 5035565 (VCV005035565.1).